The following is an entry in ClinVar:

ClinVar aggregate classification (germline): Likely pathogenic (1 of 4 stars; one submission).

Submission:

Labcorp Genetics (formerly Invitae), Labcorp
Classification: Likely pathogenic. Last evaluated: 2023-12-18. Review status: criteria provided, single submitter. Criteria: Invitae Variant Classification Sherloc (09022015). Collection method: clinical testing. Allele origin: germline.
Comment: This sequence change affects a donor splice site in intron 4 of the AAAS gene. It is expected to disrupt RNA splicing. Variants that disrupt the donor or acceptor splice site typically lead to a loss of protein function (PMID: 16199547), and loss-of-function variants in AAAS are known to be pathogenic (PMID: 11159947). This variant is not present in population databases (gnomAD no frequency). This variant has not been reported in the literature in individuals affected with AAAS-related conditions. Algorithms developed to predict the effect of sequence changes on RNA splicing suggest that this variant may disrupt the consensus splice site. In summary, the currently available evidence indicates that the variant is pathogenic, but additional data are needed to prove that conclusively. Therefore, this variant has been classified as Likely Pathogenic.

Literature cited by the submitters: PubMed 16199547; PubMed 11159947.

NM_015665.6(AAAS):c.399+2T>C

Gene: AAAS (aladin WD repeat nucleoporin; minus strand). Cytogenetic location: 12q13.13.
Variant type: single nucleotide variant.
Coding change: c.399+2T>C on transcript NM_015665.6 (MANE Select); the canonical splice donor site of the intron after coding-DNA position 399, T replaced by C.
Molecular consequence: splice donor variant.
Genome position (GRCh38, 1-based): chr12:53,315,333, A>G on the plus strand (T>C on the coding strand, the complement: AAAS is on the minus strand). VCF-style: chr12-53315333-A-G. GRCh37 (hg19) VCF-style: chr12-53709117-A-G.
Other names: c.399+2T>C (NM_001173466.2).
Identifiers: ClinVar variation 2702451 (VCV002702451.3), dbSNP rs2498626373, ClinGen allele CA385044164.